The following is an entry in ClinVar:

NM_182914.3(SYNE2):c.15073A>G (p.Thr5025Ala)

Gene: SYNE2 (spectrin repeat containing nuclear envelope protein 2; plus strand). Cytogenetic location: 14q23.2.
Variant type: single nucleotide variant.
Coding change: c.15073A>G on transcript NM_182914.3 (MANE Select); coding-DNA position 15073, A replaced by G.
Protein change: p.Thr5025Ala; replaces threonine 5025 with alanine.
Molecular consequence: missense variant.
Genome position (GRCh38, 1-based): chr14:64,141,437, A>G. VCF-style: chr14-64141437-A-G. GRCh37 (hg19) VCF-style: chr14-64608155-A-G.
Other names: c.15073A>G, p.Thr5025Ala (NM_015180.6); short protein forms T5025A.
Identifiers: ClinVar variation 1034418 (VCV001034418.2), dbSNP rs527550049, ClinGen allele CA7222973.
Genomic context (GRCh38, chr14:64,141,437, plus strand): 5'-AAGACTGCCGTTATCAGTATCGGGAACCAGCTTCTTCACCTGAAAGAAACTGATACAGCT[A>G]CACTGAGAGCTTCTTTAGCACAGTTTGAACAAAAATGGACAATGCTCATAACTCAACTTC-3'
Protein context (NP_878918.2, residues 5015-5035): LLHLKETDTA[Thr5025Ala]LRASLAQFEQ

ClinVar aggregate classification (germline): Uncertain significance. Review status: criteria provided, multiple submitters, no conflicts (2 of 4 stars). 2 submissions from 2 submitters: Uncertain significance (2). Last evaluated 2024-10-11.

Conditions:
Emery-Dreifuss muscular dystrophy 5, autosomal dominant (EDMD5). Also called: EMERY-DREIFUSS MUSCULAR DYSTROPHY 5. Identifiers: Orphanet 261, MedGen C2751805, MONDO:0013072, OMIM 612999.

Allele frequency attached by ClinVar (database versions not stated): gnomAD 0.00001; gnomAD exomes 0.00001 and 0.00005; ExAC 0.00002; TOPMed 0.00004; 1000 Genomes Project 30x 0.00016; 1000 Genomes Project 0.00020.
gnomAD v4.1: 23 of 1,614,136 alleles (0.0014%); highest among the groups gnomAD compares: East Asian, 0.022%; no homozygotes.

Submissions (2):

Ambry Genetics
Classification: Uncertain significance. Last evaluated: 2024-10-11. Review status: criteria provided, single submitter. Criteria: Ambry Variant Classification Scheme 2023. Collection method: clinical testing. Allele origin: germline.

Baylor Genetics
Classification: Uncertain significance for Emery-Dreifuss muscular dystrophy 5, autosomal dominant. Last evaluated: 2018-01-24. Review status: criteria provided, single submitter. Criteria: ACMG Guidelines, 2015. Collection method: clinical testing. Allele origin: unknown. Affected: yes.
Comment: This variant was determined to be of uncertain significance according to ACMG Guidelines, 2015 [PMID:25741868].